The following is an entry in ClinVar:

NM_000179.3(MSH6):c.1867C>T (p.Pro623Ser)

Gene: MSH6 (mutS homolog 6; plus strand). Cytogenetic location: 2p16.3.
Variant type: single nucleotide variant.
Coding change: c.1867C>T on transcript NM_000179.3 (MANE Select); coding-DNA position 1867, C replaced by T.
Protein change: p.Pro623Ser; replaces proline 623 with serine.
Molecular consequence: missense variant.
Genome position (GRCh38, 1-based): chr2:47,799,850, C>T. VCF-style: chr2-47799850-C-T. GRCh37 (hg19) VCF-style: chr2-48026989-C-T.
Other names: c.1867C>T, p.Pro623Ser (NM_001406809.1, NM_001406800.1, NM_001406803.1 and 3 more transcripts); c.1342C>T, p.Pro448Ser (NM_001406799.1, NM_001406806.1, NM_001406807.1); c.961C>T, p.Pro321Ser (NM_001406811.1, NM_001281493.2, NM_001281494.2 and 6 more transcripts); c.1570C>T, p.Pro524Ser (NM_001406805.1, NM_001406801.1, NM_001406797.1 and 10 more transcripts); c.1963C>T, p.Pro655Ser (NM_001406802.1, NM_001406795.1); c.1789C>T, p.Pro597Ser (NM_001406804.1); c.1477C>T, p.Pro493Ser (NM_001281492.2); c.1873C>T, p.Pro625Ser (NM_001406813.1); and 1 more; short protein forms P321S, P448S, P493S, P524S, P567S, P597S, P623S, P625S.
Identifiers: ClinVar variation 1714992 (VCV001714992.9), dbSNP rs3136334, ClinGen allele CA346749873.

ClinVar aggregate classification (germline): Uncertain significance. Review status: criteria provided, multiple submitters, no conflicts (2 of 4 stars). 2 submissions from 2 submitters: Uncertain significance (2). Last evaluated 2025-11-05.

Conditions:
Hereditary nonpolyposis colorectal neoplasms. Identifiers: MedGen C0009405, MeSH D003123.
Hereditary cancer-predisposing syndrome. Also called: Neoplastic Syndromes, Hereditary; Tumor predisposition; Hereditary Cancer Syndrome; Hereditary neoplastic syndrome. Identifiers: Orphanet 140162, MedGen C0027672, MeSH D009386, MONDO:0015356.

gnomAD v4.1: 2 of 1,614,162 alleles (0.00012%); highest among the groups gnomAD compares: Non-Finnish European, 0.000085%; no homozygotes.

Submissions (2):

Ambry Genetics
Classification: Uncertain significance for Hereditary cancer-predisposing syndrome. Last evaluated: 2025-11-05. Review status: criteria provided, single submitter. Criteria: Ambry Variant Classification Scheme 2023. Collection method: clinical testing. Allele origin: germline.
Comment: The p.P623S variant (also known as c.1867C>T), located in coding exon 4 of the MSH6 gene, results from a C to T substitution at nucleotide position 1867. The proline at codon 623 is replaced by serine, an amino acid with similar properties. This amino acid position is conserved. In addition, this alteration is predicted to be tolerated by in silico analysis. Since supporting evidence is limited at this time, the clinical significance of this alteration remains unclear.

Labcorp Genetics (formerly Invitae), Labcorp
Classification: Uncertain significance for Hereditary nonpolyposis colorectal neoplasms. Last evaluated: 2022-08-04. Review status: criteria provided, single submitter. Criteria: Invitae Variant Classification Sherloc (09022015). Collection method: clinical testing. Allele origin: germline.
Comment: In summary, the available evidence is currently insufficient to determine the role of this variant in disease. Therefore, it has been classified as a Variant of Uncertain Significance. Advanced modeling of protein sequence and biophysical properties (such as structural, functional, and spatial information, amino acid conservation, physicochemical variation, residue mobility, and thermodynamic stability) performed at Invitae indicates that this missense variant is not expected to disrupt MSH6 protein function. This variant has not been reported in the literature in individuals affected with MSH6-related conditions. This variant is not present in population databases (gnomAD no frequency). This sequence change replaces proline, which is neutral and non-polar, with serine, which is neutral and polar, at codon 623 of the MSH6 protein (p.Pro623Ser).